The following is an entry in ClinVar:

ClinVar aggregate classification (germline): Benign/Likely benign. Review status: criteria provided, multiple submitters, no conflicts (2 of 4 stars). 2 submissions from 2 submitters: Benign (1); Likely benign (1). Last evaluated 2022-05-01.

Allele frequency attached by ClinVar (database versions not stated): TOPMed 0.00034; gnomAD 0.00041 and 0.00042; ESP Exome Variant Server 0.00062; gnomAD exomes 0.00085 and 0.00103; ExAC 0.00131.
gnomAD v4.1: 1,287 of 1,612,844 alleles (0.08%); highest among the groups gnomAD compares: South Asian, 0.24%; 5 homozygotes.

Submissions (2):

CeGaT Center for Human Genetics Tuebingen
Classification: Likely benign. Last evaluated: 2022-05-01. Review status: criteria provided, single submitter. Criteria: CeGaT Center For Human Genetics Tuebingen Variant Classification Criteria Version 2. Collection method: clinical testing. Allele origin: germline. Affected: yes. Observed: 1 variant allele.
Comment: ADAMTS3: BP4

Labcorp Genetics (formerly Invitae), Labcorp
Classification: Benign. Last evaluated: 2019-12-31. Review status: criteria provided, single submitter. Criteria: Invitae Variant Classification Sherloc (09022015). Collection method: clinical testing. Allele origin: germline.

NM_014243.3(ADAMTS3):c.1746-5T>G

Gene: ADAMTS3 (ADAM metallopeptidase with thrombospondin type 1 motif 3; minus strand). Cytogenetic location: 4q13.3.
Variant type: single nucleotide variant.
Coding change: c.1746-5T>G on transcript NM_014243.3 (MANE Select); 5 bases into the intron before coding-DNA position 1746, T replaced by G.
Molecular consequence: intron variant.
Genome position (GRCh38, 1-based): chr4:72,312,471, A>C on the plus strand (T>G on the coding strand, the complement: ADAMTS3 is on the minus strand). VCF-style: chr4-72312471-A-C. GRCh37 (hg19) VCF-style: chr4-73178188-A-C.
Identifiers: ClinVar variation 718073 (VCV000718073.28), dbSNP rs375213929, ClinGen allele CA2956834.